The following is an entry in ClinVar:

NM_001377229.1(DISP1):c.3202C>T (p.Arg1068Ter)

Gene: DISP1 (dispatched RND transporter family member 1; plus strand). Cytogenetic location: 1q41.
Variant type: single nucleotide variant.
Coding change: c.3202C>T on transcript NM_001377229.1 (MANE Select); coding-DNA position 3202, C replaced by T.
Protein change: p.Arg1068Ter; replaces arginine 1068 with a stop codon.
Molecular consequence: nonsense.
Genome position (GRCh38, 1-based): chr1:223,004,599, C>T. VCF-style: chr1-223004599-C-T. GRCh37 (hg19) VCF-style: chr1-223177941-C-T.
Other names: c.2473C>T, p.Arg825Ter (NM_001350630.2); c.3202C>T, p.Arg1068Ter (NM_001369594.1, NM_001377228.1, NM_032890.5); short protein forms R1068*, R825*.
Identifiers: ClinVar variation 452505 (VCV000452505.2), dbSNP rs781023274, ClinGen allele CA1409365.

ClinVar aggregate classification (germline): Uncertain significance (1 of 4 stars; one submission).

Allele frequency attached by ClinVar (database versions not stated): TOPMed below 0.00001; ExAC 0.00001; gnomAD exomes 0.00001.
gnomAD v4.1: 27 of 1,614,110 alleles (0.0017%); highest among the groups gnomAD compares: South Asian, 0.0022%; no homozygotes.

Submission:

GeneDx
Classification: Uncertain significance. Last evaluated: 2017-10-04. Review status: criteria provided, single submitter. Criteria: GeneDx Variant Classification (06012015). Collection method: clinical testing. Allele origin: germline. Affected: yes.
Comment: The R1068X variant in the DISP1 gene has not been reported previously as a pathogenic variant nor as a benign variant, to our knowledge. This variant is predicted to cause loss of normal protein function through protein truncation, as it causes the loss of the last 457 amino acids. The R1068X variant is observed in 1/30782 (0.003%) alleles from individuals of South Asian background, in the ExAC dataset (Lek et al., 2016). We interpret R1068X as a variant of uncertain significance.